The following is an entry in ClinVar:

ClinVar aggregate classification (germline): Uncertain significance (1 of 4 stars; one submission).

Submission:

Labcorp Genetics (formerly Invitae), Labcorp
Classification: Uncertain significance. Last evaluated: 2025-09-24. Review status: criteria provided, single submitter. Criteria: Invitae Variant Classification Sherloc (09022015). Collection method: clinical testing. Allele origin: germline.
Comment: This sequence change replaces glutamine, which is neutral and polar, with histidine, which is basic and polar, at codon 1489 of the BPTF protein (p.Gln1489His). This variant is not present in population databases (gnomAD no frequency). This variant has not been reported in the literature in individuals affected with BPTF-related conditions. An algorithm developed to predict the effect of missense changes on protein structure and function outputs the following: PolyPhen-2: "Benign". The histidine amino acid residue is found in multiple mammalian species, which suggests that this missense change does not adversely affect protein function. In summary, the available evidence is currently insufficient to determine the role of this variant in disease. Therefore, it has been classified as a Variant of Uncertain Significance.

NM_182641.4(BPTF):c.4089G>C (p.Gln1363His)

Gene: BPTF (bromodomain PHD finger transcription factor; plus strand). Cytogenetic location: 17q24.2.
Variant type: single nucleotide variant.
Coding change: c.4089G>C on transcript NM_182641.4 (MANE Select); coding-DNA position 4089, G replaced by C.
Protein change: p.Gln1363His; replaces glutamine 1363 with histidine.
Molecular consequence: missense variant.
Genome position (GRCh38, 1-based): chr17:67,911,973, G>C. VCF-style: chr17-67911973-G-C. GRCh37 (hg19) VCF-style: chr17-65908089-G-C.
Other names: c.4278G>C, p.Gln1426His (NM_001439139.1, NM_001439141.1, NM_001439143.1 and 1 more transcripts); c.4467G>C, p.Gln1489His (NM_001439140.1, NM_001439142.1, NM_004459.7); short protein forms Q1426H, Q1363H, Q1489H.
Identifiers: ClinVar variation 4727523 (VCV004727523.1).